The following is an entry in ClinVar:

NM_145207.3(AFG2A):c.149A>G (p.Asn50Ser)

Gene: AFG2A (AFG2 AAA ATPase homolog A; plus strand). Cytogenetic location: 4q28.1.
Variant type: single nucleotide variant.
Coding change: c.149A>G on transcript NM_145207.3 (MANE Select); coding-DNA position 149, A replaced by G.
Protein change: p.Asn50Ser; replaces asparagine 50 with serine.
Molecular consequence: missense variant.
Genome position (GRCh38, 1-based): chr4:122,923,291, A>G. VCF-style: chr4-122923291-A-G. GRCh37 (hg19) VCF-style: chr4-123844446-A-G.
Other names: c.149A>G, p.Asn50Ser (NM_001317799.2, NM_001345856.2); short protein forms N50S.
Identifiers: ClinVar variation 1310545 (VCV001310545.3), dbSNP rs879154420, ClinGen allele CA104805341.

ClinVar aggregate classification (germline): Uncertain significance (1 of 4 stars; one submission).

Submission:

GeneDx
Classification: Uncertain significance. Last evaluated: 2019-11-25. Review status: criteria provided, single submitter. Criteria: GeneDx Variant Classification Process June 2021. Collection method: clinical testing. Allele origin: germline. Affected: yes.
Comment: Not observed in large population cohorts (Lek et al., 2016); In silico analysis, which includes protein predictors and evolutionary conservation, supports that this variant does not alter protein structure/function; Has not been previously published as pathogenic or benign to our knowledge